The following is an entry in ClinVar:

NM_000388.4(CASR):c.3055G>A (p.Gly1019Arg)

Gene: CASR (calcium sensing receptor; plus strand). Cytogenetic location: 3q21.1.
Variant type: single nucleotide variant.
Coding change: c.3055G>A on transcript NM_000388.4 (MANE Select); coding-DNA position 3055, G replaced by A.
Protein change: p.Gly1019Arg; replaces glycine 1019 with arginine.
Molecular consequence: missense variant.
Genome position (GRCh38, 1-based): chr3:122,285,009, G>A. VCF-style: chr3-122285009-G-A. GRCh37 (hg19) VCF-style: chr3-122003856-G-A.
Other names: c.3085G>A, p.Gly1029Arg (NM_001178065.2); short protein forms G1019R, G1029R.
Identifiers: ClinVar variation 410331 (VCV000410331.14), dbSNP rs1060502848, ClinGen allele CA16611138.

ClinVar aggregate classification (germline): Conflicting classifications of pathogenicity. Review status: criteria provided, conflicting classifications (1 of 4 stars). 4 submissions from 4 submitters: Uncertain significance (3); Likely benign (1). Last evaluated 2025-11-17.

Conditions:
Autosomal dominant hypocalcemia 1 (HYPOC1). Also called: HYPOCALCEMIA, FAMILIAL. Identifiers: MedGen C3715128, MONDO:0011013, OMIM 601198.
Familial hypocalciuric hypercalcemia (FHH). Also called: Familial benign hypercalcemia. Identifiers: Orphanet 405, MedGen C1809471, MONDO:0018458.
Nephrolithiasis/nephrocalcinosis. Identifiers: MedGen CN580796.

Allele frequency attached by ClinVar (database versions not stated): gnomAD exomes below 0.00001 and 0.00002; TOPMed 0.00005; gnomAD 0.00006.
gnomAD v4.1: 32 of 1,613,910 alleles (0.002%); highest among the groups gnomAD compares: African/African-American, 0.0067%; no homozygotes.

Submissions (4):

Labcorp Genetics (formerly Invitae), Labcorp
Classification: Likely benign for Familial hypocalciuric hypercalcemia; Autosomal dominant hypocalcemia 1. Last evaluated: 2025-11-17. Review status: criteria provided, single submitter. Criteria: Invitae Variant Classification Sherloc (09022015). Collection method: clinical testing. Allele origin: germline.

Women's Health and Genetics/Laboratory Corporation of America, LabCorp
Classification: Uncertain significance. Last evaluated: 2024-09-19. Review status: criteria provided, single submitter. Criteria: LabCorp Variant Classification Summary - May 2015. Collection method: clinical testing. Allele origin: germline.
Comment: Variant summary: CASR c.3055G>A (p.Gly1019Arg) results in a non-conservative amino acid change in the encoded protein sequence. Four of five in-silico tools predict a benign effect of the variant on protein function. The variant allele was found at a frequency of 2e-05 in 1606916 control chromosomes in the gnomAD database (v4.1 dataset). The observed variant frequency is approximately 1.6-fold of the estimated maximal expected allele frequency for a pathogenic variant in CASR causing Familial Hypocalciuric Hypercalcemia phenotype (1.3e-05). The variant, c.3055G>A, has been reported in the literature in heterozygous state in a clinically asymptomatic individual, with laboratory results suggestive of Familial Hypocalciuric Hypercalcemia (Glaudo_2016). The authors of this study have also performed in vitro functional studies, and found that the variant affected calcium signaling, however the effect was different compared with variants commonly known to cause disease (Glaudo_2016). These reports do not provide unequivocal conclusions about association of the variant with Familial Hypocalciuric Hypercalcemia. The following publication have been ascertained in the context of this evaluation (PMID: 27666534). ClinVar contains an entry for this variant (Variation ID: 410331). Based on the evidence outlined above, the variant was classified as uncertain significance.

GeneDx
Classification: Uncertain significance. Last evaluated: 2022-11-08. Review status: criteria provided, single submitter. Criteria: GeneDx Variant Classification Process June 2021. Collection method: clinical testing. Allele origin: germline. Affected: yes.
Comment: Not observed at significant frequency in large population cohorts (gnomAD); In silico analysis supports that this missense variant does not alter protein structure/function; Published functional studies demonstrate a deleterious effect on calcium signaling leading to increased extracellular calcium concentration (Glaudo et al., 2016); Observed in a clinically asymptomatic individual with biochemical results suggestive of familial hypocalciuric hypercalcemia (Glaudo et al., 2016); This variant is associated with the following publications: (PMID: 30019023, 27666534)

Ambry Genetics
Classification: Uncertain significance for Nephrolithiasis/nephrocalcinosis. Last evaluated: 2022-06-10. Review status: criteria provided, single submitter. Criteria: Ambry Variant Classification Scheme 2023. Collection method: clinical testing. Allele origin: germline.
Comment: The p.G1019R variant (also known as c.3055G>A), located in coding exon 6 of the CASR gene, results from a G to A substitution at nucleotide position 3055. The glycine at codon 1019 is replaced by arginine, an amino acid with dissimilar properties. This alteration was identified in an individual diagnosed with familial hypocalciuric hypercalcemia (FHH) (Glaudo M et al. Eur J Endocrinol, 2016 Nov;175:421-31). This amino acid position is not well conserved in available vertebrate species. In addition, this alteration is predicted to be tolerated by in silico analysis. Since supporting evidence is limited at this time, the clinical significance of this alteration remains unclear.

Literature cited by the submitters: PubMed 27666534 (cited by Women's Health and Genetics/Laboratory Corporation of America, LabCorp and Ambry Genetics).